The following is an entry in ClinVar:

ClinVar aggregate classification (germline): Uncertain significance (1 of 4 stars; one submission).

Conditions:
Immunodeficiency 37 (IMD37). Identifiers: MedGen C4015195, MONDO:0014491, OMIM 616098.

Allele frequency attached by ClinVar (database versions not stated): gnomAD exomes 0.00001; TOPMed 0.00001; ExAC 0.00004.
gnomAD v4.1: 7 of 1,614,004 alleles (0.00043%); highest among the groups gnomAD compares: Admixed American, 0.0083%; no homozygotes.

Submission:

Labcorp Genetics (formerly Invitae), Labcorp
Classification: Uncertain significance for Immunodeficiency 37. Last evaluated: 2022-01-27. Review status: criteria provided, single submitter. Criteria: Invitae Variant Classification Sherloc (09022015). Collection method: clinical testing. Allele origin: germline.
Comment: This sequence change replaces asparagine, which is neutral and polar, with histidine, which is basic and polar, at codon 142 of the BCL10 protein (p.Asn142His). This variant is present in population databases (rs781284853, gnomAD 0.01%). This variant has not been reported in the literature in individuals affected with BCL10-related conditions. Algorithms developed to predict the effect of missense changes on protein structure and function are either unavailable or do not agree on the potential impact of this missense change (SIFT: "Deleterious"; PolyPhen-2: "Benign"; Align-GVGD: "Class C0"). In summary, the available evidence is currently insufficient to determine the role of this variant in disease. Therefore, it has been classified as a Variant of Uncertain Significance.

NM_003921.5(BCL10):c.424A>C (p.Asn142His)

Gene: BCL10 (BCL10 immune signaling adaptor; minus strand). Cytogenetic location: 1p22.3.
Variant type: single nucleotide variant.
Coding change: c.424A>C on transcript NM_003921.5 (MANE Select); coding-DNA position 424, A replaced by C.
Protein change: p.Asn142His; replaces asparagine 142 with histidine.
Molecular consequence: missense variant.
Genome position (GRCh38, 1-based): chr1:85,267,905, T>G on the plus strand (A>C on the coding strand, the complement: BCL10 is on the minus strand). VCF-style: chr1-85267905-T-G. GRCh37 (hg19) VCF-style: chr1-85733588-T-G.
Other names: c.391A>C, p.Asn131His (NM_001320715.2); short protein forms N142H, N131H.
Identifiers: ClinVar variation 2156003 (VCV002156003.3), dbSNP rs781284853, ClinGen allele CA929746.